The following is an entry in ClinVar:

NM_003073.5(SMARCB1):c.52C>T (p.Gln18Ter)

Gene: SMARCB1 (SWI/SNF related BAF chromatin remodeling complex subunit B1; plus strand). Cytogenetic location: 22q11.23.
Variant type: single nucleotide variant.
Coding change: c.52C>T on transcript NM_003073.5 (MANE Select); coding-DNA position 52, C replaced by T.
Protein change: p.Gln18Ter; replaces glutamine 18 with a stop codon.
Molecular consequence: nonsense.
Genome position (GRCh38, 1-based): chr22:23,787,221, C>T. VCF-style: chr22-23787221-C-T. GRCh37 (hg19) VCF-style: chr22-24129408-C-T.
Other names: c.52C>T, p.Gln18Ter (NM_001007468.3, NM_001317946.2, NM_001362877.2); short protein forms Q18*.
Identifiers: ClinVar variation 872341 (VCV000872341.43), dbSNP rs1928044707, ClinGen allele CA410930729.
Genomic context (GRCh38, chr22:23,787,221, plus strand): 5'-GCCGCCGCAATGATGATGATGGCGCTGAGCAAGACCTTCGGGCAGAAGCCCGTGAAGTTC[C>T]AGCTGGAGGACGACGGCGAGTTCTACATGATCGGCTCCGAGGTAGCCCGGGGCGCGTTCT-3'

ClinVar aggregate classification (germline): Pathogenic. Review status: criteria provided, multiple submitters, no conflicts (2 of 4 stars). 2 submissions from 2 submitters: Pathogenic (2). Last evaluated 2024-12-24.

Submissions (2):

Labcorp Genetics (formerly Invitae), Labcorp
Classification: Pathogenic. Last evaluated: 2024-12-24. Review status: criteria provided, single submitter. Criteria: Invitae Variant Classification Sherloc (09022015). Collection method: clinical testing. Allele origin: germline.
Comment: This sequence change creates a premature translational stop signal (p.Gln18*) in the SMARCB1 gene. It is expected to result in an absent or disrupted protein product. Loss-of-function variants in SMARCB1 are known to be pathogenic (PMID: 10521299, 21208904). This variant is not present in population databases (gnomAD no frequency). This variant has not been reported in the literature in individuals affected with SMARCB1-related conditions. ClinVar contains an entry for this variant (Variation ID: 872341). For these reasons, this variant has been classified as Pathogenic.

CeGaT Center for Human Genetics Tuebingen
Classification: Pathogenic. Last evaluated: 2019-12-01. Review status: criteria provided, single submitter. Criteria: CeGaT Center For Human Genetics Tuebingen Variant Classification Criteria Version 2. Collection method: clinical testing. Allele origin: germline. Affected: yes. Observed: 1 variant allele.

Literature cited by the submitters: PubMed 10521299 (cited by Labcorp Genetics (formerly Invitae), Labcorp); PubMed 21208904 (cited by Labcorp Genetics (formerly Invitae), Labcorp).